The following is an entry in ClinVar:

ClinVar aggregate classification (germline): Conflicting classifications of pathogenicity. Review status: criteria provided, conflicting classifications (1 of 4 stars). 6 submissions from 6 submitters: Likely pathogenic (1); Uncertain significance (5). Last evaluated 2026-06-01.

Conditions:
Amyloidosis, hereditary systemic 1 (AMYLD1). Also called: Hereditary Transthyretin Amyloidosis; AMYLOID CARDIOMYOPATHY; Familial amyloid polyneuropathy; Transthyretin Amyloidosis; Hereditary oculoleptomeningeal amyloid angiopathy; Familial Transthyretin Amyloidosis. Identifiers: Orphanet 85447, Orphanet 85451, MedGen C2751492, MONDO:0971004, OMIM 105210.
Cardiovascular phenotype. Identifiers: MedGen CN230736.

Allele frequency attached by ClinVar (database versions not stated): gnomAD exomes below 0.00001.
gnomAD v4.1: 1 of 1,614,134 alleles (0.000062%); highest among the groups gnomAD compares: Non-Finnish European, 0.000085%; no homozygotes.

Submissions (6):

CeGaT Center for Human Genetics Tuebingen
Classification: Uncertain significance. Last evaluated: 2026-06-01. Review status: criteria provided, single submitter. Criteria: CeGaT Center For Human Genetics Tuebingen Variant Classification Criteria Version 2. Collection method: clinical testing. Allele origin: germline. Affected: yes. Observed: 1 variant allele.
Comment: TTR: PM2

Labcorp Genetics (formerly Invitae), Labcorp
Classification: Likely pathogenic for Amyloidosis, hereditary systemic 1. Last evaluated: 2025-11-10. Review status: criteria provided, single submitter. Criteria: Invitae Variant Classification Sherloc (09022015). Collection method: clinical testing. Allele origin: germline.
Comment: This sequence change replaces glutamic acid, which is acidic and polar, with lysine, which is basic and polar, at codon 71 of the TTR protein (p.Glu71Lys). This variant is not present in population databases (gnomAD no frequency). This missense change has been observed in individual(s) with hATTR amyloidosis (internal data). ClinVar contains an entry for this variant (Variation ID: 1004913). Invitae Evidence Modeling of protein sequence and biophysical properties (such as structural, functional, and spatial information, amino acid conservation, physicochemical variation, residue mobility, and thermodynamic stability) indicates that this missense variant is expected to disrupt TTR protein function with a positive predictive value of 95%. In summary, the currently available evidence indicates that the variant is pathogenic, but additional data are needed to prove that conclusively. Therefore, this variant has been classified as Likely Pathogenic.

Athena Diagnostics
Classification: Uncertain significance. Last evaluated: 2023-11-21. Review status: criteria provided, single submitter. Criteria: Athena Diagnostics Criteria. Collection method: clinical testing. Allele origin: unknown.
Comment: Available data are insufficient to determine the clinical significance of the variant at this time. This variant has not been reported in large, multi-ethnic general populations. Computational tools predict that this variant is not damaging.

ARUP Laboratories, Molecular Genetics and Genomics, ARUP Laboratories
Classification: Uncertain significance. Last evaluated: 2020-12-16. Review status: criteria provided, single submitter. Criteria: ARUP Molecular Germline Variant Investigation Process 2021. Collection method: clinical testing. Allele origin: germline.
Comment: The TTR c.211G>A; p.Glu71Lys variant (rs933476040), to our knowledge, is not reported in the medical literature or gene specific databases. This variant is also absent from general population databases (Exome Variant Server, Genome Aggregation Database), indicating it is not a common polymorphism. The glutamic acid at codon 71 is moderately conserved, and computational analyses are uncertain whether this variant is neutral or deleterious (REVEL: 0.536). Due to limited information, the clinical significance of the p.Glu71Lys variant is uncertain at this time.

Ambry Genetics
Classification: Uncertain significance for Cardiovascular phenotype. Last evaluated: 2020-08-19. Review status: criteria provided, single submitter. Criteria: Ambry Variant Classification Scheme 2023. Collection method: clinical testing. Allele origin: germline.
Comment: The p.E71K variant (also known as c.211G>A), located in coding exon 3 of the TTR gene, results from a G to A substitution at nucleotide position 211. The glutamic acid at codon 71 is replaced by lysine, an amino acid with similar properties. This amino acid position is well conserved in available vertebrate species; however, lysine is the reference amino acid in other vertebrate species. In addition, the in silico prediction for this alteration is inconclusive. Since supporting evidence is limited at this time, the clinical significance of this alteration remains unclear.

GeneDx
Classification: Uncertain significance. Last evaluated: 2018-11-16. Review status: criteria provided, single submitter. Criteria: GeneDx Variant Classification Process June 2021. Collection method: clinical testing. Allele origin: germline. Affected: yes.
Comment: Not observed in large population cohorts (Lek et al., 2016); In silico analysis, which includes protein predictors and evolutionary conservation, supports that this variant does not alter protein structure/function; Has not been previously published as pathogenic or benign to our knowledge

NM_000371.4(TTR):c.211G>A (p.Glu71Lys)

Gene: TTR (transthyretin; plus strand). Cytogenetic location: 18q12.1.
Variant type: single nucleotide variant.
Coding change: c.211G>A on transcript NM_000371.4 (MANE Select); coding-DNA position 211, G replaced by A.
Protein change: p.Glu71Lys; replaces glutamic acid 71 with lysine.
Molecular consequence: missense variant.
Genome position (GRCh38, 1-based): chr18:31,595,130, G>A. VCF-style: chr18-31595130-G-A. GRCh37 (hg19) VCF-style: chr18-29175093-G-A.
Other names: short protein forms E71K.
Identifiers: ClinVar variation 1004913 (VCV001004913.23), dbSNP rs933476040, ClinGen allele CA297738943.